The following is an entry in ClinVar:

ClinVar aggregate classification (germline): Uncertain significance. Review status: criteria provided, multiple submitters, no conflicts (2 of 4 stars). 2 submissions from 2 submitters: Uncertain significance (2). Last evaluated 2024-07-03.

Conditions:
Arrhythmogenic right ventricular dysplasia 8 (ARVD8). Also called: Arrhythmogenic Right Ventricular Dysplasia/Cardiomyopathy 8; ARRHYTHMOGENIC RIGHT VENTRICULAR DYSPLASIA, FAMILIAL, 8; ARRHYTHMOGENIC RIGHT VENTRICULAR CARDIOMYOPATHY 8. Identifiers: MedGen C1843896, MONDO:0011831, OMIM 607450.
Arrhythmogenic cardiomyopathy with wooly hair and keratoderma. Also called: PALMOPLANTAR KERATODERMA WITH LEFT VENTRICULAR CARDIOMYOPATHY AND WOOLLY HAIR; Carvajal syndrome; Dilated cardiomyopathy with woolly hair and keratoderma; Arrhythmogenic cardiomyopathy with woolly hair and keratoderma. Identifiers: Orphanet 65282, MedGen C1854063, MONDO:0011581, OMIM 605676.
Cardiomyopathy (CMYO). Also called: Cardiomyopathies. Identifiers: Orphanet 167848, MedGen C0878544, MONDO:0004994, HP:0001638. Inheritance: Various modes of inheritance.

gnomAD v4.1: 1 of 1,614,022 alleles (0.000062%); no homozygotes.

Submissions (2):

Labcorp Genetics (formerly Invitae), Labcorp
Classification: Uncertain significance for Arrhythmogenic cardiomyopathy with wooly hair and keratoderma; Arrhythmogenic right ventricular dysplasia 8. Last evaluated: 2024-07-03. Review status: criteria provided, single submitter. Criteria: Invitae Variant Classification Sherloc (09022015). Collection method: clinical testing. Allele origin: germline.
Comment: This sequence change replaces leucine, which is neutral and non-polar, with valine, which is neutral and non-polar, at codon 414 of the DSP protein (p.Leu414Val). This variant is not present in population databases (gnomAD no frequency). This variant has not been reported in the literature in individuals affected with DSP-related conditions. ClinVar contains an entry for this variant (Variation ID: 922318). An algorithm developed to predict the effect of missense changes on protein structure and function (PolyPhen-2) suggests that this variant is likely to be tolerated. In summary, the available evidence is currently insufficient to determine the role of this variant in disease. Therefore, it has been classified as a Variant of Uncertain Significance.

Color Diagnostics, LLC DBA Color Health
Classification: Uncertain significance for Cardiomyopathy. Last evaluated: 2023-12-04. Review status: criteria provided, single submitter. Criteria: ACMG Guidelines, 2015. Collection method: clinical testing. Allele origin: germline.
Comment: Variant of Uncertain Significance due to insufficient evidence: This missense variant is located in the spectrin repeat 5 of the plakin domain of the DSP protein. Computational prediction tools and conservation analyses are inconclusive regarding the impact of this variant on the protein function. Computational splicing tools suggest that this variant may not impact RNA splicing. To our knowledge, functional assays have not been performed for this variant nor has this variant been reported in individuals affected with cardiovascular disorders in the literature. This variant is rare in the general population and has been identified in 0/277264 chromosomes by the Genome Aggregation Database (gnomAD). Available evidence is insufficient to determine the pathogenicity of this variant conclusively.

NM_004415.4(DSP):c.1240C>G (p.Leu414Val)

Gene: DSP (desmoplakin; plus strand). Cytogenetic location: 6p24.3.
Variant type: single nucleotide variant.
Coding change: c.1240C>G on transcript NM_004415.4 (MANE Select); coding-DNA position 1240, C replaced by G.
Protein change: p.Leu414Val; replaces leucine 414 with valine.
Molecular consequence: missense variant.
Genome position (GRCh38, 1-based): chr6:7,567,880, C>G. VCF-style: chr6-7567880-C-G. GRCh37 (hg19) VCF-style: chr6-7568113-C-G.
Other names: c.1240C>G, p.Leu414Val (NM_001008844.3, NM_001319034.2); short protein forms L414V.
Identifiers: ClinVar variation 922318 (VCV000922318.7), dbSNP rs1758912999, ClinGen allele CA362676211.